The following is an entry in ClinVar:

ClinVar aggregate classification (germline): Likely benign. Review status: criteria provided, multiple submitters, no conflicts (2 of 4 stars). 3 submissions from 3 submitters: Likely benign (3). Last evaluated 2026-09-10.

Conditions:
GJB3-related disorder. Also called: GJB3-related condition.

Allele frequency attached by ClinVar (database versions not stated): TOPMed 0.00001; gnomAD 0.00002.
gnomAD v4.1: 11 of 1,614,050 alleles (0.00068%); highest among the groups gnomAD compares: African/African-American, 0.0013%; no homozygotes.

Submissions (3):

PreventionGenetics, part of Exact Sciences
Classification: Likely benign for GJB3-related condition. Last evaluated: 2026-09-10. Review status: criteria provided, single submitter. Criteria: ACMG Guidelines, 2015. Collection method: clinical testing. Allele origin: germline.
Comment: This variant is classified as likely benign based on ACMG/AMP sequence variant interpretation guidelines (Richards et al. 2015 PMID: 25741868, with internal and published modifications).

Labcorp Genetics (formerly Invitae), Labcorp
Classification: Likely benign. Last evaluated: 2021-09-18. Review status: criteria provided, single submitter. Criteria: Invitae Variant Classification Sherloc (09022015). Collection method: clinical testing. Allele origin: germline.

GeneDx
Classification: Likely benign. Last evaluated: 2020-11-11. Review status: criteria provided, single submitter. Criteria: GeneDx Variant Classification Process June 2021. Collection method: clinical testing. Allele origin: germline. Affected: yes.

NM_024009.3(GJB3):c.642C>A (p.Val214=)

Gene: GJB3 (gap junction protein beta 3; plus strand). Cytogenetic location: 1p34.3.
Variant type: single nucleotide variant.
Coding change: c.642C>A on transcript NM_024009.3 (MANE Select); coding-DNA position 642, C replaced by A.
Protein change: p.Val214=; no amino-acid change (valine 214 retained).
Molecular consequence: synonymous variant.
Genome position (GRCh38, 1-based): chr1:34,785,404, C>A. VCF-style: chr1-34785404-C-A. GRCh37 (hg19) VCF-style: chr1-35251005-C-A.
Other names: c.642C>A, p.Val214= (NM_001005752.2).
Identifiers: ClinVar variation 1203239 (VCV001203239.12), dbSNP rs970682269, ClinGen allele CA20571926.